The following is an entry in ClinVar:

ClinVar aggregate classification (germline): Uncertain significance (1 of 4 stars; one submission).

Submission:

GeneDx
Classification: Uncertain significance. Last evaluated: 2025-06-02. Review status: criteria provided, single submitter. Criteria: GeneDx Variant Classification Process June 2021. Collection method: clinical testing. Allele origin: germline. Affected: yes.
Comment: In silico analysis suggests that this missense variant does not alter protein structure/function; Not observed at significant frequency in large population cohorts (gnomAD); This variant is associated with the following publications: (PMID: 33057194, 35982159, 39769491)

NM_001127464.1:c.10625C>T

Gene: ZNF469 (zinc finger protein 469; plus strand).
Variant type: single nucleotide variant.
Identifiers: ClinVar variation 4536273 (VCV004536273.1).